The following is an entry in ClinVar:

ClinVar aggregate classification (germline): Uncertain significance (1 of 4 stars; one submission).

Conditions:
Polycystic kidney disease, adult type (PKD1). Also called: Polycystic Kidney, Autosomal Dominant; POLYCYSTIC KIDNEY DISEASE, ADULT, TYPE I; Polycystic Kidney Disease 1, Autosomal Dominant; Polycystic kidney disease 1; Polycystic kidney disease 1, severe; POLYCYSTIC KIDNEY DISEASE 1 WITH OR WITHOUT POLYCYSTIC LIVER DISEASE. Identifiers: MedGen C3149841, MONDO:0008263, OMIM 173900.

Submission:

Victorian Clinical Genetics Services, Murdoch Childrens Research Institute
Classification: Uncertain significance for Polycystic kidney disease, adult type. Last evaluated: 2025-06-18. Review status: criteria provided, single submitter. Criteria: ACMG Guidelines, 2015. Collection method: clinical testing. Allele origin: germline. Affected: yes.
Comment: This variant is classified as VUS-3C. Evidence in support of pathogenic classification: Variant is present in gnomAD <0.001 for a dominant condition (v4: 2 heterozygote(s), 0 homozygote(s)) ; Another missense variant comparable to the one identified in this case has limited previous evidence for pathogenicity. This variant (p.(Asn1240Ser)) has been reported once as probably pathogenic in a cohort of individuals with PKD (PMID: 38541974). An additional variant (p.(Asn1240Ile)) of stronger Grantham change, has been reported as a VUS (LOVD) and as a polymorphism (PMID: 22185115). Evidence in support of benign classification: Same amino acid change has been observed in placental mammals. Additional information: Variant is predicted to result in a missense amino acid change from asparagine to aspartic acid; This variant is heterozygous; This gene is associated with autosomal dominant disease. Polycystic kidney disease 1 (MIM#173900) is predominantly caused by monoallelic variants, with rare reports of biallelic variants causing disease (OMIM); Alternative amino acid change(s) at the same position are present in gnomAD (Highest allele count: v4: 4 heterozygote(s), 0 homozygote(s)) ; Previous evidence of pathogenicity for this variant is inconclusive. It may be described in literature as a nondiagnostic variant, however, there are inconsistencies with the nomenclature provided (PMID: 37231942); No published segregation evidence has been identified for this variant; No published functional evidence has been identified for this variant; Variant is located in the annotated glycosylation site within the PKD domain (DECIPHER) - Loss of function is a known mechanism of disease in this gene and is associated with polycystic kidney disease 1 (MIM#173900). - Inheritance information for this variant is not currently available in this individual.

Literature cited by the submitters: PubMed 37231942; PubMed 22185115; PubMed 38541974.

NM_001009944.3(PKD1):c.3718A>G (p.Asn1240Asp)

Gene: PKD1 (polycystin 1, transient receptor potential channel interacting; minus strand). Cytogenetic location: 16p13.3.
Variant type: single nucleotide variant.
Coding change: c.3718A>G on transcript NM_001009944.3 (MANE Select); coding-DNA position 3718, A replaced by G.
Protein change: p.Asn1240Asp; replaces asparagine 1240 with aspartic acid.
Molecular consequence: missense variant.
Genome position (GRCh38, 1-based): chr16:2,111,449, T>C on the plus strand (A>G on the coding strand, the complement: PKD1 is on the minus strand). VCF-style: chr16-2111449-T-C. GRCh37 (hg19) VCF-style: chr16-2161450-T-C.
Other names: c.3718A>G, p.Asn1240Asp (NM_000296.4); short protein forms N1240D.
Identifiers: ClinVar variation 4531576 (VCV004531576.1).
Genomic context (GRCh38, chr16:2,111,449, plus strand): 5'-CTGTTGCCTCCGGGCCCGACAGCACGGTGCCGTCCCCCATGTCGAAGGTCCACGTGATGT[T>C]GTCGCCCGTCTGCACCGCGGCGCTGACCACCACGGGGGCGCCCTGCTCCACGGCCAGGCT-3'
Protein context (NP_001009944.3, residues 1230-1250): VVSAAVQTGD[Asn1240Asp]ITWTFDMGDG